The following is an entry in ClinVar:

NM_000147.5(FUCA1):c.908C>T (p.Ser303Phe)

Gene: FUCA1 (alpha-L-fucosidase 1; minus strand). Cytogenetic location: 1p36.11.
Variant type: single nucleotide variant.
Coding change: c.908C>T on transcript NM_000147.5 (MANE Select); coding-DNA position 908, C replaced by T.
Protein change: p.Ser303Phe; replaces serine 303 with phenylalanine.
Molecular consequence: missense variant. On other transcripts: non-coding transcript variant (4).
Genome position (GRCh38, 1-based): chr1:23,854,421, G>A on the plus strand (C>T on the coding strand, the complement: FUCA1 is on the minus strand). VCF-style: chr1-23854421-G-A. GRCh37 (hg19) VCF-style: chr1-24180911-G-A.
Other names: short protein forms S303F.
Identifiers: ClinVar variation 2081276 (VCV002081276.4), dbSNP rs750083315, ClinGen allele CA19327587.
Genomic context (GRCh38, chr1:23,854,421, plus strand): 5'-GAAATGATTTCAGATTCTTCTGTAACATCAGACAATGCCATGTCACGACGATAGCCCCAG[G>A]AAAACTTGTCAATGCTGGTGCACATCTCCCACTTGTGATCTGGCAAGCTCTGTGGCTTGA-3'
Protein context (NP_000138.2, residues 293-313): WEMCTSIDKF[Ser303Phe]WGYRRDMALS

ClinVar aggregate classification (germline): Uncertain significance (1 of 4 stars; one submission).

Conditions:
Fucosidosis. Also called: ALPHA-L-FUCOSIDASE DEFICIENCY. Identifiers: Orphanet 349, MedGen C0016788, MONDO:0009254, OMIM 230000.

Allele frequency attached by ClinVar (database versions not stated): gnomAD exomes below 0.00001.
gnomAD v4.1: 1 of 1,614,096 alleles (0.000062%); highest among the groups gnomAD compares: Non-Finnish European, 0.000085%; no homozygotes.

Submission:

Labcorp Genetics (formerly Invitae), Labcorp
Classification: Uncertain significance for Fucosidosis. Last evaluated: 2022-01-12. Review status: criteria provided, single submitter. Criteria: Invitae Variant Classification Sherloc (09022015). Collection method: clinical testing. Allele origin: germline.
Comment: In summary, the available evidence is currently insufficient to determine the role of this variant in disease. Therefore, it has been classified as a Variant of Uncertain Significance. Algorithms developed to predict the effect of missense changes on protein structure and function are either unavailable or do not agree on the potential impact of this missense change (SIFT: "Deleterious"; PolyPhen-2: "Probably Damaging"; Align-GVGD: "Class C0"). This variant has not been reported in the literature in individuals affected with FUCA1-related conditions. This variant is not present in population databases (gnomAD no frequency). This sequence change replaces serine, which is neutral and polar, with phenylalanine, which is neutral and non-polar, at codon 303 of the FUCA1 protein (p.Ser303Phe).